The following is an entry in ClinVar:

ClinVar aggregate classification (germline): Uncertain significance (1 of 4 stars; one submission).

Conditions:
Ritscher-Schinzel syndrome. Also called: CRANIOCEREBELLOCARDIAC DYSPLASIA. Identifiers: Orphanet 7, MedGen C0796137, MONDO:0019078.
Hereditary spastic paraplegia 8 (SPG8). Also called: SPASTIC PARAPLEGIA 8, AUTOSOMAL DOMINANT. Identifiers: Orphanet 100989, MedGen C1863704, MONDO:0011339, OMIM 603563.

Allele frequency attached by ClinVar (database versions not stated): gnomAD exomes below 0.00001.
gnomAD v4.1: 1 of 1,506,086 alleles (0.000066%); highest among the groups gnomAD compares: Non-Finnish European, 0.000092%; no homozygotes.

Submission:

Labcorp Genetics (formerly Invitae), Labcorp
Classification: Uncertain significance for Ritscher-Schinzel syndrome; Hereditary spastic paraplegia 8. Last evaluated: 2022-11-15. Review status: criteria provided, single submitter. Criteria: Invitae Variant Classification Sherloc (09022015). Collection method: clinical testing. Allele origin: germline.
Comment: This variant is not present in population databases (gnomAD no frequency). This sequence change replaces leucine, which is neutral and non-polar, with arginine, which is basic and polar, at codon 138 of the WASHC5 protein (p.Leu138Arg). This variant has not been reported in the literature in individuals affected with WASHC5-related conditions. In summary, the available evidence is currently insufficient to determine the role of this variant in disease. Therefore, it has been classified as a Variant of Uncertain Significance. Advanced modeling of protein sequence and biophysical properties (such as structural, functional, and spatial information, amino acid conservation, physicochemical variation, residue mobility, and thermodynamic stability) performed at Invitae indicates that this missense variant is expected to disrupt WASHC5 protein function. ClinVar contains an entry for this variant (Variation ID: 581704).

NM_014846.4(WASHC5):c.413T>G (p.Leu138Arg)

Gene: WASHC5 (WASH complex subunit 5; minus strand). Cytogenetic location: 8q24.13.
Variant type: single nucleotide variant.
Coding change: c.413T>G on transcript NM_014846.4 (MANE Select); coding-DNA position 413, T replaced by G.
Protein change: p.Leu138Arg; replaces leucine 138 with arginine.
Molecular consequence: missense variant. On other transcripts: 5 prime UTR variant (1).
Genome position (GRCh38, 1-based): chr8:125,082,387, A>C on the plus strand (T>G on the coding strand, the complement: WASHC5 is on the minus strand). VCF-style: chr8-125082387-A-C. GRCh37 (hg19) VCF-style: chr8-126094629-A-C.
Other names: c.-32T>G (NM_001330609.2); short protein forms L138R.
Identifiers: ClinVar variation 581704 (VCV000581704.10), dbSNP rs1563636568, ClinGen allele CA372267310.